The following is an entry in ClinVar:

ClinVar aggregate classification (germline): Uncertain significance (1 of 4 stars; one submission).

Conditions:
Joubert syndrome. Also called: CEREBELLOPARENCHYMAL DISORDER IV; JOUBERT-BOLTSHAUSER SYNDROME; Familial aplasia of the vermis. Identifiers: Orphanet 475, MedGen C5979921, MONDO:0018772.

Submission:

Labcorp Genetics (formerly Invitae), Labcorp
Classification: Uncertain significance for Joubert syndrome. Last evaluated: 2023-11-27. Review status: criteria provided, single submitter. Criteria: Invitae Variant Classification Sherloc (09022015). Collection method: clinical testing. Allele origin: germline.
Comment: This variant results in a copy number gain of the genomic region encompassing exon(s) 1-3 of the INPP5E gene. This region includes the initiator codon of the gene. This copy number gain extends beyond the assayed region for this gene and therefore may encompass additional genes. As the precise location of this event is unknown, it may be in tandem or it may be located elsewhere in the genome. This variant has not been reported in the literature in individuals affected with INPP5E-related conditions. In summary, the available evidence is currently insufficient to determine the role of this variant in disease. Therefore, it has been classified as a Variant of Uncertain Significance.

NC_000009.11:g.(?_139328469)_(139333871_?)dup

Gene: INPP5E (inositol polyphosphate-5-phosphatase E; minus strand). Cytogenetic location: 9q34.3.
Variant type: Duplication.
Identifiers: ClinVar variation 1449187 (VCV001449187.7).